The following is an entry in ClinVar:

ClinVar aggregate classification (germline): Pathogenic/Likely pathogenic. Review status: criteria provided, multiple submitters, no conflicts (2 of 4 stars). 2 submissions from 2 submitters: Pathogenic (1); Likely pathogenic (1). Last evaluated 2026-02-20.

Conditions:
Episodic ataxia type 2 (EA2). Also called: ATAXIA, EPISODIC, WITH NYSTAGMUS; ATAXIA, FAMILIAL PAROXYSMAL; CEREBELLAR ATAXIA, PAROXYSMAL, ACETAZOLAMIDE-RESPONSIVE; CEREBELLOPATHY, HEREDITARY PAROXYSMAL; ACETAZOLAMIDE-RESPONSIVE HEREDITARY PAROXYSMAL CEREBELLAR ATAXIA; EPISODIC ATAXIA, NYSTAGMUS-ASSOCIATED. Identifiers: Orphanet 97, MedGen C1720416, MONDO:0007163, OMIM 108500.
Developmental and epileptic encephalopathy, 42 (DEE42A). Also called: Epileptic encephalopathy, early infantile, 42; DEVELOPMENTAL AND EPILEPTIC ENCEPHALOPATHY 42A; EPILEPTIC ENCEPHALOPATHY, EARLY INFANTILE, 42A. Identifiers: MedGen C4310716, MONDO:0014917, OMIM 617106.

Submissions (2):

GeneDx
Classification: Pathogenic. Last evaluated: 2026-02-20. Review status: criteria provided, single submitter. Criteria: GeneDx Variant Classification Process June 2021. Collection method: clinical testing. Allele origin: germline.
Comment: Canonical splice site variant predicted to result in a null allele in a gene for which loss of function is a known mechanism of disease; Not observed at significant frequency in large population cohorts (gnomAD); Has not been previously published as pathogenic or benign to our knowledge

Labcorp Genetics (formerly Invitae), Labcorp
Classification: Likely pathogenic for Developmental and epileptic encephalopathy, 42; Episodic ataxia type 2. Last evaluated: 2023-08-10. Review status: criteria provided, single submitter. Criteria: Invitae Variant Classification Sherloc (09022015). Collection method: clinical testing. Allele origin: germline.
Comment: This sequence change affects a donor splice site in intron 4 of the CACNA1A gene. It is expected to disrupt RNA splicing. Variants that disrupt the donor or acceptor splice site typically lead to a loss of protein function (PMID: 16199547), and loss-of-function variants in CACNA1A are known to be pathogenic (PMID: 10371528, 19486177, 25735478, 27250579). This variant is not present in population databases (gnomAD no frequency). Disruption of this splice site has been observed in individual(s) with clinical features of CACNA1A-related conditions (Invitae). ClinVar contains an entry for this variant (Variation ID: 2047213). Algorithms developed to predict the effect of sequence changes on RNA splicing suggest that this variant may disrupt the consensus splice site. In summary, the currently available evidence indicates that the variant is pathogenic, but additional data are needed to prove that conclusively. Therefore, this variant has been classified as Likely Pathogenic.

Literature cited by the submitters: PubMed 16199547 (cited by Labcorp Genetics (formerly Invitae), Labcorp); PubMed 10371528 (cited by Labcorp Genetics (formerly Invitae), Labcorp); PubMed 19486177 (cited by Labcorp Genetics (formerly Invitae), Labcorp); PubMed 25735478 (cited by Labcorp Genetics (formerly Invitae), Labcorp); PubMed 27250579 (cited by Labcorp Genetics (formerly Invitae), Labcorp).

NM_001127222.2(CACNA1A):c.631+2T>C

Gene: CACNA1A (calcium voltage-gated channel subunit alpha1 A; minus strand). Cytogenetic location: 19p13.13.
Variant type: single nucleotide variant.
Coding change: c.631+2T>C on transcript NM_001127222.2 (MANE Select); the canonical splice donor site of the intron after coding-DNA position 631, T replaced by C.
Molecular consequence: splice donor variant.
Genome position (GRCh38, 1-based): chr19:13,371,686, A>G on the plus strand (T>C on the coding strand, the complement: CACNA1A is on the minus strand). VCF-style: chr19-13371686-A-G. GRCh37 (hg19) VCF-style: chr19-13482500-A-G.
Other names: c.631+2T>C (NM_001127221.2, NM_001174080.2, NM_000068.4 and 1 more transcripts).
Identifiers: ClinVar variation 2047213 (VCV002047213.6), dbSNP rs2513200325, ClinGen allele CA404350560.